The following is an entry in ClinVar:

ClinVar aggregate classification (germline): Uncertain significance (1 of 4 stars; one submission).

Conditions:
Severe combined immunodeficiency due to DNA-PKcs deficiency. Also called: Immunodeficiency 26 with or without neurologic abnormalities; IMMUNODEFICIENCY 26 WITH NEUROLOGIC ABNORMALITIES. Identifiers: Orphanet 317425, MedGen C4014833, MONDO:0014423, OMIM 615966.

Allele frequency attached by ClinVar (database versions not stated): gnomAD exomes below 0.00001 and 0.00001.
gnomAD v4.1: 5 of 1,583,114 alleles (0.00032%); highest among the groups gnomAD compares: Non-Finnish European, 0.00043%; no homozygotes.

Submission:

Labcorp Genetics (formerly Invitae), Labcorp
Classification: Uncertain significance for Severe combined immunodeficiency due to DNA-PKcs deficiency. Last evaluated: 2025-07-14. Review status: criteria provided, single submitter. Criteria: Invitae Variant Classification Sherloc (09022015). Collection method: clinical testing. Allele origin: germline.
Comment: This sequence change replaces valine, which is neutral and non-polar, with alanine, which is neutral and non-polar, at codon 2458 of the PRKDC protein (p.Val2458Ala). The frequency data for this variant in the population databases is considered unreliable, as metrics indicate poor data quality at this position in the gnomAD database. This variant has not been reported in the literature in individuals affected with PRKDC-related conditions. ClinVar contains an entry for this variant (Variation ID: 1347184). Invitae Evidence Modeling of protein sequence and biophysical properties (such as structural, functional, and spatial information, amino acid conservation, physicochemical variation, residue mobility, and thermodynamic stability) has been performed for this missense variant. However, the output from this modeling did not meet the statistical confidence thresholds required to predict the impact of this variant on PRKDC protein function. In summary, the available evidence is currently insufficient to determine the role of this variant in disease. Therefore, it has been classified as a Variant of Uncertain Significance.

NM_006904.7(PRKDC):c.7373T>C (p.Val2458Ala)

Gene: PRKDC (protein kinase, DNA-activated, catalytic subunit; minus strand). Cytogenetic location: 8q11.21.
Variant type: single nucleotide variant.
Coding change: c.7373T>C on transcript NM_006904.7 (MANE Select); coding-DNA position 7373, T replaced by C.
Protein change: p.Val2458Ala; replaces valine 2458 with alanine.
Molecular consequence: missense variant.
Genome position (GRCh38, 1-based): chr8:47,840,097, A>G on the plus strand (T>C on the coding strand, the complement: PRKDC is on the minus strand). VCF-style: chr8-47840097-A-G. GRCh37 (hg19) VCF-style: chr8-48752658-A-G.
Other names: c.7373T>C, p.Val2458Ala (NM_001081640.2); short protein forms V2458A.
Identifiers: ClinVar variation 1347184 (VCV001347184.6), dbSNP rs1464381833, ClinGen allele CA371155221.